The following is an entry in ClinVar:

NM_017415.3(KLHL3):c.471A>G (p.Ala157=)

Gene: KLHL3 (kelch like family member 3; minus strand). Cytogenetic location: 5q31.2.
Variant type: single nucleotide variant.
Coding change: c.471A>G on transcript NM_017415.3 (MANE Select); coding-DNA position 471, A replaced by G.
Protein change: p.Ala157=; no amino-acid change (alanine 157 retained).
Molecular consequence: synonymous variant.
Genome position (GRCh38, 1-based): chr5:137,692,340, T>C on the plus strand (A>G on the coding strand, the complement: KLHL3 is on the minus strand). VCF-style: chr5-137692340-T-C. GRCh37 (hg19) VCF-style: chr5-137028029-T-C.
Other names: p.Ala157=; c.375A>G, p.Ala125= (NM_001257194.1); c.225A>G, p.Ala75= (NM_001257195.2).
Identifiers: ClinVar variation 260809 (VCV000260809.22), dbSNP rs2905608, ClinGen allele CA3422493.

ClinVar aggregate classification (germline): Benign. Review status: criteria provided, multiple submitters, no conflicts (2 of 4 stars). 8 submissions from 8 submitters: Benign (8). Last evaluated 2026-02-04.

Conditions:
Pseudohypoaldosteronism type 2D (PHA2D). Also called: Pseudohypoaldosteronism Type IID; FAMILIAL HYPERKALEMIC HYPERTENSION; PSEUDOHYPOALDOSTERONISM, TYPE IID, AUTOSOMAL DOMINANT OR RECESSIVE. Identifiers: Orphanet 300525, Orphanet 757, MedGen C3469605, MONDO:0013781, OMIM 614495.

Allele frequency attached by ClinVar (database versions not stated): gnomAD exomes 0.77461 and 0.79267; ESP Exome Variant Server 0.77903; gnomAD 0.78307; TOPMed 0.78354; ExAC 0.79260; 1000 Genomes Project 30x 0.82714; 1000 Genomes Project 0.82808.
gnomAD v4.1: 1,250,648 of 1,613,152 alleles (78%); highest among the groups gnomAD compares: East Asian, 97%; 486,367 homozygotes.

Submissions (8):

Labcorp Genetics (formerly Invitae), Labcorp
Classification: Benign. Last evaluated: 2026-02-04. Review status: criteria provided, single submitter. Criteria: Invitae Variant Classification Sherloc (09022015). Collection method: clinical testing. Allele origin: germline.

Blueprint Genetics
Classification: Benign. Last evaluated: 2024-11-26. Review status: criteria provided, single submitter. Criteria: ACMG Guidelines, 2015. Collection method: clinical testing. Allele origin: germline.

Mayo Clinic Laboratories, Mayo Clinic
Classification: Benign. Last evaluated: 2022-03-09. Review status: criteria provided, single submitter. Criteria: ACMG Guidelines, 2015. Collection method: clinical testing. Allele origin: germline. Observed: 160 variant alleles.

Genome-Nilou Lab
Classification: Benign for Pseudohypoaldosteronism type 2D. Last evaluated: 2021-08-19. Review status: criteria provided, single submitter. Criteria: ACMG Guidelines, 2015. Collection method: clinical testing. Allele origin: germline. Affected: no.

GeneDx
Classification: Benign. Last evaluated: 2018-11-12. Review status: criteria provided, single submitter. Criteria: GeneDx Variant Classification Process June 2021. Collection method: clinical testing. Allele origin: germline. Affected: yes.

Illumina Laboratory Services, Illumina
Classification: Benign for Pseudohypoaldosteronism type 2D. Last evaluated: 2018-01-13. Review status: criteria provided, single submitter. Criteria: ICSL Variant Classification Criteria 13 December 2019. Collection method: clinical testing. Allele origin: germline.
Comment: This variant was observed in the ICSL laboratory as part of a predisposition screen in an ostensibly healthy population. It had not been previously curated by ICSL or reported in the Human Gene Mutation Database (HGMD: prior to June 1st, 2018), and was therefore a candidate for classification through an automated scoring system. Utilizing variant allele frequency, disease prevalence and penetrance estimates, and inheritance mode, an automated score was calculated to assess if this variant is too frequent to cause the disease. Based on the score and internal cut-off values, a variant classified as benign is not then subjected to further curation. The score for this variant resulted in a classification of benign for this disease.

Laboratory for Molecular Medicine, Mass General Brigham Personalized Medicine
Classification: Benign. Last evaluated: 2016-03-21. Review status: criteria provided, single submitter. Criteria: LMM Criteria. Collection method: clinical testing. Allele origin: germline. Observed: 1 variant allele.
Comment: p.Ala157Ala in exon 5 of KLHL3: This variant is not expected to have clinical si gnificance because it does not alter an amino acid residue, is not located withi n the splice consensus sequence, and has been identified in 99.06% (8557/8638) o f East Asian chromosomes by the Exome Aggregation Consortium (ExAC.; dbSNP rs2905608).

PreventionGenetics, part of Exact Sciences
Classification: Benign. Review status: criteria provided, single submitter. Criteria: ACMG Guidelines, 2015. Collection method: clinical testing. Allele origin: germline.